The following is an entry in ClinVar:

ClinVar aggregate classification (germline): Benign. Review status: criteria provided, multiple submitters, no conflicts (2 of 4 stars). 2 submissions from 2 submitters: Benign (2). Last evaluated 2018-06-14.

Allele frequency attached by ClinVar (database versions not stated): 1000 Genomes Project 30x 0.06605; 1000 Genomes Project 0.06649; TOPMed 0.09893; gnomAD 0.10354 and 0.10464.
gnomAD v4.1: 63,103 of 540,508 alleles (12%); highest among the groups gnomAD compares: Admixed American, 14%; 4,510 homozygotes.

Submissions (2):

GeneDx
Classification: Benign. Last evaluated: 2018-06-14. Review status: criteria provided, single submitter. Criteria: GeneDx Variant Classification (06012015). Collection method: clinical testing. Allele origin: germline. Affected: yes.
Comment: This variant is considered likely benign or benign based on one or more of the following criteria: it is a conservative change, it occurs at a poorly conserved position in the protein, it is predicted to be benign by multiple in silico algorithms, and/or has population frequency not consistent with disease.

Breakthrough Genomics
Classification: Benign. Review status: criteria provided, single submitter. Criteria: ACMG Guidelines, 2015. Collection method: not provided. Allele origin: germline. Inheritance: Autosomal recessive inheritance. Affected: yes.

NM_001854.4(COL11A1):c.2142+258A>G

Gene: COL11A1 (collagen type XI alpha 1 chain; minus strand). Cytogenetic location: 1p21.1.
Variant type: single nucleotide variant.
Coding change: c.2142+258A>G on transcript NM_001854.4 (MANE Select); 258 bases into the intron after coding-DNA position 2142, A replaced by G.
Molecular consequence: intron variant.
Genome position (GRCh38, 1-based): chr1:103,001,667, T>C on the plus strand (A>G on the coding strand, the complement: COL11A1 is on the minus strand). VCF-style: chr1-103001667-T-C. GRCh37 (hg19) VCF-style: chr1-103467223-T-C.
Other names: c.2025+258A>G (NM_001190709.2); c.2178+258A>G (NM_080629.3); c.1794+258A>G (NM_080630.4).
Identifiers: ClinVar variation 681282 (VCV000681282.2), dbSNP rs12131957, ClinGen allele CA10905900.